The following is an entry in ClinVar:

ClinVar aggregate classification (germline): Uncertain significance. Review status: criteria provided, multiple submitters, no conflicts (2 of 4 stars). 2 submissions from 2 submitters: Uncertain significance (2). Last evaluated 2025-04-12.

Conditions:
Oligodontia-cancer predisposition syndrome. Also called: TOOTH AGENESIS-COLORECTAL CANCER SYNDROME. Identifiers: Orphanet 300576, MedGen C1837750, MONDO:0012075, OMIM 608615. Disease mechanism: loss of function.
Hereditary cancer-predisposing syndrome. Also called: Neoplastic Syndromes, Hereditary; Hereditary Cancer Syndrome; Hereditary neoplastic syndrome; Tumor predisposition. Identifiers: Orphanet 140162, MedGen C0027672, MeSH D009386, MONDO:0015356.

Allele frequency attached by ClinVar (database versions not stated): TOPMed below 0.00001; gnomAD 0.00001; gnomAD exomes below 0.00001.
gnomAD v4.1: 2 of 1,614,084 alleles (0.00012%); highest among the groups gnomAD compares: Admixed American, 0.0033%; no homozygotes.

Submissions (2):

Ambry Genetics
Classification: Uncertain significance for Hereditary cancer-predisposing syndrome. Last evaluated: 2025-04-12. Review status: criteria provided, single submitter. Criteria: Ambry Variant Classification Scheme 2023. Collection method: clinical testing. Allele origin: germline.

Labcorp Genetics (formerly Invitae), Labcorp
Classification: Uncertain significance for Oligodontia-cancer predisposition syndrome. Last evaluated: 2023-05-01. Review status: criteria provided, single submitter. Criteria: Invitae Variant Classification Sherloc (09022015). Collection method: clinical testing. Allele origin: germline.
Comment: This variant is present in population databases (no rsID available, gnomAD 0.003%). This sequence change replaces aspartic acid, which is acidic and polar, with valine, which is neutral and non-polar, at codon 843 of the AXIN2 protein (p.Asp843Val). This variant has not been reported in the literature in individuals affected with AXIN2-related conditions. Advanced modeling of protein sequence and biophysical properties (such as structural, functional, and spatial information, amino acid conservation, physicochemical variation, residue mobility, and thermodynamic stability) performed at Invitae indicates that this missense variant is expected to disrupt AXIN2 protein function. In summary, the available evidence is currently insufficient to determine the role of this variant in disease. Therefore, it has been classified as a Variant of Uncertain Significance.

NM_004655.4(AXIN2):c.2528A>T (p.Asp843Val)

Gene: AXIN2 (axin 2; minus strand). Cytogenetic location: 17q24.1.
Variant type: single nucleotide variant.
Coding change: c.2528A>T on transcript NM_004655.4 (MANE Select); coding-DNA position 2528, A replaced by T.
Protein change: p.Asp843Val; replaces aspartic acid 843 with valine.
Molecular consequence: missense variant.
Genome position (GRCh38, 1-based): chr17:65,529,980, T>A on the plus strand (A>T on the coding strand, the complement: AXIN2 is on the minus strand). VCF-style: chr17-65529980-T-A. GRCh37 (hg19) VCF-style: chr17-63526098-T-A.
Other names: c.2333A>T, p.Asp778Val (NM_001363813.1); short protein forms D778V, D843V.
Identifiers: ClinVar variation 2867491 (VCV002867491.4), dbSNP rs1413374885, ClinGen allele CA400674715.
Genomic context (GRCh38, chr17:65,529,980, plus strand): 5'-AGACAGTTCACAAGAGCTTCGGGCTCCAACAGTTCACCAAAGCCAGACCCCAGGGCTCAA[T>A]CGATCCGCTCCACTTTGCCCAGAATCCGGCCTTCATACATCGGGAGCACCGTCTCATCCT-3'
Protein context (NP_004646.3, residues 833-843): GRILGKVERI[Asp843Val]